The following is an entry in ClinVar:

ClinVar aggregate classification (germline): Pathogenic. Review status: criteria provided, multiple submitters, no conflicts (2 of 4 stars). 8 submissions from 8 submitters: Pathogenic (6). 2 of the submissions do not count toward it. Last evaluated 2025-01-24.

Conditions:
Usher syndrome type 1F (USH1F). Also called: USHER SYNDROME, TYPE IF. Identifiers: Orphanet 231169, Orphanet 886, MedGen C1865885, MONDO:0011186, OMIM 602083.
Autosomal recessive nonsyndromic hearing loss 23. Identifiers: Orphanet 90636, MedGen C1836027, MONDO:0012293, OMIM 609533.
Usher syndrome type 1D (USH1D). Also called: USHER SYNDROME, TYPE ID. Identifiers: Orphanet 231169, Orphanet 886, MedGen C1832845, MONDO:0010984, OMIM 601067.

Allele frequency attached by ClinVar (database versions not stated): gnomAD 0.00001; gnomAD exomes 0.00001; TOPMed 0.00001.
gnomAD v4.1: 10 of 1,613,582 alleles (0.00062%); highest among the groups gnomAD compares: East Asian, 0.0022%; no homozygotes.

Submissions (8):

Natera, Inc.
Classification: Pathogenic for Usher syndrome type 1F. Last evaluated: 2025-01-24. Review status: criteria provided, single submitter. Criteria: Natera Variant Classification Schema (03/2026). Collection method: clinical testing. Allele origin: germline.
Comment: The c.2785C>T variant in PCDH15 is a nonsense variant predicted to introduce a stop codon at amino acid 929. This variant is expected to result in nonsense mediated decay, truncation, or a dysfunctional protein product. This variant is rare in the general population with a frequency below the threshold expected for the associated phenotype(s). This variant has been observed in one or more individuals affected with the associated recessive disease, as either homozygous or compound heterozygous with a second variant (PMID: 33089500). Given the available evidence, this variant is classified as Pathogenic.

Fulgent Genetics
Classification: Pathogenic for Usher syndrome type 1D; Usher syndrome type 1F; Autosomal recessive nonsyndromic hearing loss 23. Last evaluated: 2024-06-21. Review status: criteria provided, single submitter. Criteria: ACMG Guidelines, 2015. Collection method: clinical testing. Allele origin: germline.

Labcorp Genetics (formerly Invitae), Labcorp
Classification: Pathogenic. Last evaluated: 2024-01-18. Review status: criteria provided, single submitter. Criteria: Invitae Variant Classification Sherloc (09022015). Collection method: clinical testing. Allele origin: germline.
Comment: This sequence change creates a premature translational stop signal (p.Arg929*) in the PCDH15 gene. It is expected to result in an absent or disrupted protein product. Loss-of-function variants in PCDH15 are known to be pathogenic (PMID: 11398101, 11487575, 14570705). This variant is present in population databases (no rsID available, gnomAD 0.003%). This premature translational stop signal has been observed in individuals with Usher syndrome (PMID: 15660226, 25307757, 25425308). ClinVar contains an entry for this variant (Variation ID: 370242). For these reasons, this variant has been classified as Pathogenic.

Baylor Genetics
Classification: Pathogenic for Autosomal recessive nonsyndromic hearing loss 23. Last evaluated: 2023-11-10. Review status: criteria provided, single submitter. Criteria: ACMG Guidelines, 2015. Collection method: clinical testing. Allele origin: unknown.

Broad Center for Mendelian Genomics, Broad Institute of MIT and Harvard
Classification: Pathogenic for Usher syndrome type 1F. Last evaluated: 2023-01-24. Review status: criteria provided, single submitter. Criteria: ACMG Guidelines, 2015. Collection method: curation. Allele origin: germline. Inheritance: Autosomal recessive inheritance.
Comment: The p.Arg929Ter variant in PCDH15 has been reported in 4 individuals with Usher syndrome type 1F (PMID: 15660226, 25307757, 25425308) and has been identified in 0.003% (1/34576) of Latino/Admixed American chromosomes by the Genome Aggregation Database (gnomAD; dbSNP ID: rs1057516342). Although this variant has been seen in the general population in a heterozygous state, its frequency is low enough to be consistent with a recessive carrier frequency. This variant has also been reported in ClinVar (Variation ID#: 370242) and has been interpreted as pathogenic or likely pathogenic by Counsyl, Invitae, Women's Health and Genetics/Laboratory Corporation of America (LabCorp), and Genetic Testing Center for Deafness (Department of Otolaryngology Head & Neck Surgery, Institute of Otolaryngology, Chinese PLA General Hospital). Of the 4 affected individuals, 2 were a compound heterozygotes that carried a reported pathogenic variant with unknown phase, which increases the likelihood that the p.Arg929Ter variant is pathogenic (VariationID: 4933; PMID: 25425308). This nonsense variant leads to a premature termination codon at position 929, which is predicted to lead to a truncated or absent protein. Loss of function of the PCDH15 gene is an established disease mechanism in autosomal recessive Usher syndrome type 1F. In summary, this variant meets criteria to be classified as pathogenic for autosomal recessive Usher syndrome type 1F. ACMG/AMP Criteria applied: PVS1, PM3, PM2_supporting (Richards 2015).

Women's Health and Genetics/Laboratory Corporation of America, LabCorp
Classification: Pathogenic for Usher syndrome type 1F. Last evaluated: 2022-11-16. Review status: criteria provided, single submitter. Criteria: LabCorp Variant Classification Summary - May 2015. Collection method: clinical testing. Allele origin: germline.
Comment: Variant summary: PCDH15 c.2785C>T (p.Arg929X) results in a premature termination codon, predicted to cause a truncation of the encoded protein or absence of the protein due to nonsense mediated decay, which are commonly known mechanisms for disease. Truncations downstream of this position have been classified as pathogenic by our laboratory. The variant allele was found at a frequency of 8e-06 in 250804 control chromosomes. c.2785C>T has been reported in the literature in individuals affected with Usher Syndrome Type 1F (Ouyang_2005, Zein_2014, Sethna_2021), and was also identified in a carrier screening study (Perreault-Micale_2014). These data indicate that the variant is likely associated with disease. To our knowledge, no experimental evidence demonstrating an impact on protein function has been reported. Three clinical diagnostic laboratories have submitted clinical-significance assessments for this variant to ClinVar after 2014 without evidence for independent evaluation. All laboratories classified the variant as pathogenic/likely pathogenic. Based on the evidence outlined above, the variant was classified as pathogenic.

Genetic Testing Center for Deafness, Department of Otolaryngology Head & Neck Surgery, Institute of Otolaryngology, Chinese PLA General Hospital
Classification: Pathogenic for Autosomal recessive nonsyndromic hearing loss 23. Last evaluated: 2019-02-26. Review status: no assertion criteria provided. Collection method: case-control. Allele origin: inherited. Affected: yes. Observed: 1 variant allele. Not counted in ClinVar's aggregate classification.

Counsyl
Classification: Likely pathogenic for Usher syndrome type 1F. Last evaluated: 2015-12-22. Review status: no assertion criteria provided. Collection method: clinical testing. Allele origin: unknown. Not counted in ClinVar's aggregate classification.

Literature cited by the submitters: PubMed 33089500 (cited by Natera, Inc.); PubMed 11398101 (cited by Labcorp Genetics (formerly Invitae), Labcorp); PubMed 11487575 (cited by Labcorp Genetics (formerly Invitae), Labcorp); PubMed 14570705 (cited by Labcorp Genetics (formerly Invitae), Labcorp); PubMed 15660226 (cited by 3 submitters); PubMed 25307757 (cited by Labcorp Genetics (formerly Invitae), Labcorp and Women's Health and Genetics/Laboratory Corporation of America, LabCorp); PubMed 25425308 (cited by 3 submitters); PubMed 34751129 (cited by Women's Health and Genetics/Laboratory Corporation of America, LabCorp); PubMed 25525159 (cited by Counsyl).

NM_001384140.1(PCDH15):c.2785C>T (p.Arg929Ter)

Gene: PCDH15 (protocadherin related 15; minus strand). Cytogenetic location: 10q21.1.
Variant type: single nucleotide variant.
Coding change: c.2785C>T on transcript NM_001384140.1 (MANE Select); coding-DNA position 2785, C replaced by T.
Protein change: p.Arg929Ter; replaces arginine 929 with a stop codon.
Molecular consequence: nonsense.
Genome position (GRCh38, 1-based): chr10:53,995,732, G>A on the plus strand (C>T on the coding strand, the complement: PCDH15 is on the minus strand). VCF-style: chr10-53995732-G-A. GRCh37 (hg19) VCF-style: chr10-55755492-G-A.
Other names: NM_001384140.1(PCDH15):c.2785C>T; p.Arg929Ter; c.2800C>T, p.Arg934Ter (NM_001142763.2, NM_001142771.2); c.2785C>T, p.Arg929Ter (NM_001142764.2, NM_001142766.2, NM_001142770.3 and 5 more transcripts); c.2572C>T, p.Arg858Ter (NM_001142765.2); c.2674C>T, p.Arg892Ter (NM_001142767.2); c.2719C>T, p.Arg907Ter (NM_001142768.2, NM_001142773.2, NM_001354404.2); c.2821C>T, p.Arg941Ter (NM_001142769.4); and 1 more; short protein forms R929*, R934*, R858*, R941*, R892*, R907*, R936*.
Identifiers: ClinVar variation 370242 (VCV000370242.15), dbSNP rs1057516342, ClinGen allele CA16041367.